The following is an entry in ClinVar:

ClinVar aggregate classification (germline): Benign/Likely benign. Review status: criteria provided, multiple submitters, no conflicts (2 of 4 stars). 4 submissions from 4 submitters: Benign (1); Likely benign (2). 1 of the submissions does not count toward it. Last evaluated 2025-12-31.

Conditions:
PPCS-related disorder. Also called: PPCS-related condition.

Allele frequency attached by ClinVar (database versions not stated): ESP Exome Variant Server 0.00059; gnomAD 0.00062 and 0.00065; TOPMed 0.00089; 1000 Genomes Project 0.00120; 1000 Genomes Project 30x 0.00156.
gnomAD v4.1: 372 of 1,614,194 alleles (0.023%); highest among the groups gnomAD compares: East Asian, 0.33%; 3 homozygotes.

Submissions (4):

Labcorp Genetics (formerly Invitae), Labcorp
Classification: Benign. Last evaluated: 2025-12-31. Review status: criteria provided, single submitter. Criteria: Invitae Variant Classification Sherloc (09022015). Collection method: clinical testing. Allele origin: germline.

Molecular Diagnostic Laboratory for Inherited Cardiovascular Disease, Montreal Heart Institute
Classification: Likely benign. Last evaluated: 2025-04-09. Review status: criteria provided, single submitter. Criteria: ACMG Guidelines, 2015. Collection method: clinical testing. Allele origin: germline. Affected: no.

Blueprint Genetics
Classification: Likely benign. Last evaluated: 2024-08-20. Review status: criteria provided, single submitter. Criteria: ACMG Guidelines, 2015. Collection method: clinical testing. Allele origin: germline.

PreventionGenetics, part of Exact Sciences
Classification: Likely benign for PPCS-related condition. Last evaluated: 2019-04-25. Review status: no assertion criteria provided. Collection method: clinical testing. Allele origin: germline. Not counted in ClinVar's aggregate classification.
Comment: This variant is classified as likely benign based on ACMG/AMP sequence variant interpretation guidelines (Richards et al. 2015 PMID: 25741868, with internal and published modifications).

NM_024664.4(PPCS):c.840A>G (p.Leu280=)

Genes: CCDC30 (coiled-coil domain containing 30; plus strand), PPCS (phosphopantothenoylcysteine synthetase; plus strand). Cytogenetic location: 1p34.2.
Variant type: single nucleotide variant.
Coding change: c.840A>G on transcript NM_024664.4 (MANE Select); coding-DNA position 840, A replaced by G.
Protein change: p.Leu280=; no amino-acid change (leucine 280 retained).
Molecular consequence: synonymous variant. On other transcripts: intron variant (2).
Genome position (GRCh38, 1-based): chr1:42,459,830, A>G. VCF-style: chr1-42459830-A-G. GRCh37 (hg19) VCF-style: chr1-42925501-A-G.
Other names: c.321A>G, p.Leu107= (NM_001077447.3, NM_001287506.1, NM_001287508.2 and 2 more transcripts); c.222A>G, p.Leu74= (NM_001287507.1); c.-880+2480A>G (NM_001355226.2); c.612+2480A>G (NM_001287511.2).
Identifiers: ClinVar variation 1599807 (VCV001599807.12), dbSNP rs142078638, ClinGen allele CA800081.